The following is an entry in ClinVar:

NM_001029883.3(PCARE):c.1617A>C (p.Glu539Asp)

Gene: PCARE (photoreceptor cilium actin regulator; minus strand). Cytogenetic location: 2p23.2.
Variant type: single nucleotide variant.
Coding change: c.1617A>C on transcript NM_001029883.3 (MANE Select); coding-DNA position 1617, A replaced by C.
Protein change: p.Glu539Asp; replaces glutamic acid 539 with aspartic acid.
Molecular consequence: missense variant.
Genome position (GRCh38, 1-based): chr2:29,072,645, T>G on the plus strand (A>C on the coding strand, the complement: PCARE is on the minus strand). VCF-style: chr2-29072645-T-G. GRCh37 (hg19) VCF-style: chr2-29295511-T-G.
Other names: short protein forms E539D.
Identifiers: ClinVar variation 1381869 (VCV001381869.6), dbSNP rs2148416170, ClinGen allele CA346479286.

ClinVar aggregate classification (germline): Uncertain significance (1 of 4 stars; one submission).

Submission:

Labcorp Genetics (formerly Invitae), Labcorp
Classification: Uncertain significance. Last evaluated: 2025-06-12. Review status: criteria provided, single submitter. Criteria: Invitae Variant Classification Sherloc (09022015). Collection method: clinical testing. Allele origin: germline.
Comment: This sequence change replaces glutamic acid, which is acidic and polar, with aspartic acid, which is acidic and polar, at codon 539 of the PCARE protein (p.Glu539Asp). This variant is not present in population databases (gnomAD no frequency). This variant has not been reported in the literature in individuals affected with PCARE-related conditions. ClinVar contains an entry for this variant (Variation ID: 1381869). An algorithm developed to predict the effect of missense changes on protein structure and function (PolyPhen-2) suggests that this variant is likely to be disruptive. In summary, the available evidence is currently insufficient to determine the role of this variant in disease. Therefore, it has been classified as a Variant of Uncertain Significance.